The following is an entry in ClinVar:

NM_207361.6(FREM2):c.2754C>T (p.Val918=)

Gene: FREM2 (FRAS1 related extracellular matrix 2; plus strand). Cytogenetic location: 13q13.3.
Variant type: single nucleotide variant.
Coding change: c.2754C>T on transcript NM_207361.6 (MANE Select); coding-DNA position 2754, C replaced by T.
Protein change: p.Val918=; no amino-acid change (valine 918 retained).
Molecular consequence: synonymous variant.
Genome position (GRCh38, 1-based): chr13:38,690,098, C>T. VCF-style: chr13-38690098-C-T. GRCh37 (hg19) VCF-style: chr13-39264235-C-T.
Identifiers: ClinVar variation 435264 (VCV000435264.32), dbSNP rs140353326, ClinGen allele CA6954665.
Genomic context (GRCh38, chr13:38,690,098, plus strand): 5'-CCGAGTTTCCTATGCCCATAATGGGGACAAGTCCCTGACTGATAGCTGCTCCTTGGAAGT[C>T]AGTGACAGACATCATGTGGTGCCCATCACTCTCAGAGTAAATGTCCGGCCAGTGGATGAT-3'
Protein context (NP_997244.4, residues 908-928): KSLTDSCSLE[Val918=]SDRHHVVPIT

ClinVar aggregate classification (germline): Conflicting classifications of pathogenicity. Review status: criteria provided, conflicting classifications (1 of 4 stars). 5 submissions from 5 submitters: Uncertain significance (1); Likely benign (3). 1 of the submissions does not count toward it. Last evaluated 2026-01-09.

Conditions:
FREM2-related disorder. Also called: FREM2-related condition.

Allele frequency attached by ClinVar (database versions not stated): gnomAD 0.00046 and 0.00043; TOPMed 0.00048; ExAC 0.00009; gnomAD exomes 0.00009; 1000 Genomes Project 30x 0.00016; 1000 Genomes Project 0.00020; ESP Exome Variant Server 0.00023.
gnomAD v4.1: 133 of 1,614,076 alleles (0.0082%); highest among the groups gnomAD compares: African/African-American, 0.16%; no homozygotes.

Submissions (5):

Labcorp Genetics (formerly Invitae), Labcorp
Classification: Likely benign. Last evaluated: 2026-01-09. Review status: criteria provided, single submitter. Criteria: Invitae Variant Classification Sherloc (09022015). Collection method: clinical testing. Allele origin: germline.

CeGaT Center for Human Genetics Tuebingen
Classification: Likely benign. Last evaluated: 2024-05-01. Review status: criteria provided, single submitter. Criteria: CeGaT Center For Human Genetics Tuebingen Variant Classification Criteria Version 2. Collection method: clinical testing. Allele origin: germline. Affected: yes. Observed: 1 variant allele.
Comment: FREM2: BP4, BP7

Eurofins Ntd Llc (ga)
Classification: Uncertain significance. Last evaluated: 2017-01-26. Review status: criteria provided, single submitter. Criteria: EGL Classification Definitions 2015. Collection method: clinical testing. Allele origin: germline. Observed: 1 variant allele, 1 heterozygote.

Genetic Services Laboratory, University of Chicago
Classification: Likely benign. Last evaluated: 2017-01-05. Review status: criteria provided, single submitter. Criteria: ACMG Guidelines, 2015. Collection method: clinical testing. Allele origin: germline. Affected: no.

PreventionGenetics, part of Exact Sciences
Classification: Likely benign for FREM2-related condition. Last evaluated: 2024-08-02. Review status: no assertion criteria provided. Collection method: clinical testing. Allele origin: germline. Not counted in ClinVar's aggregate classification.
Comment: This variant is classified as likely benign based on ACMG/AMP sequence variant interpretation guidelines (Richards et al. 2015 PMID: 25741868, with internal and published modifications).